The following is an entry in ClinVar:

NM_001003800.2(BICD2):c.464A>G (p.Asn155Ser)

Gene: BICD2 (BICD cargo adaptor 2; minus strand). Cytogenetic location: 9q22.31.
Variant type: single nucleotide variant.
Coding change: c.464A>G on transcript NM_001003800.2 (MANE Select); coding-DNA position 464, A replaced by G.
Protein change: p.Asn155Ser; replaces asparagine 155 with serine.
Molecular consequence: missense variant.
Genome position (GRCh38, 1-based): chr9:92,722,798, T>C on the plus strand (A>G on the coding strand, the complement: BICD2 is on the minus strand). VCF-style: chr9-92722798-T-C. GRCh37 (hg19) VCF-style: chr9-95485080-T-C.
Other names: c.464A>G, p.Asn155Ser (NM_015250.4); short protein forms N155S.
Identifiers: ClinVar variation 998880 (VCV000998880.11), dbSNP rs1853491158, ClinGen allele CA374045847.

ClinVar aggregate classification (germline): Uncertain significance (1 of 4 stars; one submission).

Conditions:
Autosomal dominant childhood-onset proximal spinal muscular atrophy with contractures (SMALED2A). Also called: SPINAL MUSCULAR ATROPHY, LOWER EXTREMITY-PREDOMINANT, 2A, CHILDHOOD ONSET, AUTOSOMAL DOMINANT; Spinal muscular atrophy, lower extremity-predominant, 2A, autosomal dominant. Identifiers: Orphanet 363447, Orphanet 363454, MedGen C4747715, MONDO:0014121, OMIM 615290.

Submission:

Labcorp Genetics (formerly Invitae), Labcorp
Classification: Uncertain significance for Autosomal dominant childhood-onset proximal spinal muscular atrophy with contractures. Last evaluated: 2023-05-22. Review status: criteria provided, single submitter. Criteria: Invitae Variant Classification Sherloc (09022015). Collection method: clinical testing. Allele origin: germline.
Comment: ClinVar contains an entry for this variant (Variation ID: 998880). In summary, the available evidence is currently insufficient to determine the role of this variant in disease. Therefore, it has been classified as a Variant of Uncertain Significance. Advanced modeling of protein sequence and biophysical properties (such as structural, functional, and spatial information, amino acid conservation, physicochemical variation, residue mobility, and thermodynamic stability) performed at Invitae indicates that this missense variant is not expected to disrupt BICD2 protein function. This variant has not been reported in the literature in individuals affected with BICD2-related conditions. This variant is not present in population databases (gnomAD no frequency). This sequence change replaces asparagine, which is neutral and polar, with serine, which is neutral and polar, at codon 155 of the BICD2 protein (p.Asn155Ser).